The following is an entry in ClinVar:

NM_018975.4(TERF2IP):c.579T>A (p.His193Gln)

Gene: TERF2IP (TERF2 interacting protein; plus strand). Cytogenetic location: 16q23.1.
Variant type: single nucleotide variant.
Coding change: c.579T>A on transcript NM_018975.4 (MANE Select); coding-DNA position 579, T replaced by A.
Protein change: p.His193Gln; replaces histidine 193 with glutamine.
Molecular consequence: missense variant. On other transcripts: non-coding transcript variant (1).
Genome position (GRCh38, 1-based): chr16:75,648,461, T>A. VCF-style: chr16-75648461-T-A. GRCh37 (hg19) VCF-style: chr16-75682359-T-A.
Other names: short protein forms H193Q.
Identifiers: ClinVar variation 1749719 (VCV001749719.2), dbSNP rs2507074869, ClinGen allele CA396818212.

ClinVar aggregate classification (germline): Uncertain significance (1 of 4 stars; one submission).

Submission:

Ambry Genetics
Classification: Uncertain significance. Last evaluated: 2021-11-24. Review status: criteria provided, single submitter. Criteria: Ambry Variant Classification Scheme 2023. Collection method: clinical testing. Allele origin: germline.
Comment: The p.H193Q variant (also known as c.579T>A), located in coding exon 1 of the TERF2IP gene, results from a T to A substitution at nucleotide position 579. The histidine at codon 193 is replaced by glutamine, an amino acid with highly similar properties. This amino acid position is conserved. In addition, this alteration is predicted to be tolerated by in silico analysis. Since supporting evidence is limited at this time, the clinical significance of this alteration remains unclear.